The following is an entry in ClinVar:

ClinVar aggregate classification (germline): Uncertain significance (1 of 4 stars; one submission).

Conditions:
Menkes kinky-hair syndrome (MNK). Also called: Classic Menkes Disease; Copper transport disease; Menkes Disease. Identifiers: Orphanet 565, MedGen C0022716, MONDO:0010651, OMIM 309400.
X-linked distal spinal muscular atrophy type 3. Also called: NEURONOPATHY, DISTAL HEREDITARY MOTOR, X-LINKED; NEUROPATHY, DISTAL HEREDITARY MOTOR, X-LINKED; ATP7A-Related Distal Motor Neuropathy; SPINAL MUSCULAR ATROPHY, DISTAL, X-LINKED RECESSIVE. Identifiers: Orphanet 139557, MedGen C1845359, MONDO:0010338, OMIM 300489.
Cutis laxa, X-linked (OHS). Also called: EDS IX; Occipital horn syndrome. Identifiers: Orphanet 198, MedGen C0268353, MONDO:0010572, OMIM 304150.

Submission:

Labcorp Genetics (formerly Invitae), Labcorp
Classification: Uncertain significance for X-linked distal spinal muscular atrophy type 3; Cutis laxa, X-linked; Menkes kinky-hair syndrome. Last evaluated: 2023-05-22. Review status: criteria provided, single submitter. Criteria: Invitae Variant Classification Sherloc (09022015). Collection method: clinical testing. Allele origin: germline.
Comment: In summary, the available evidence is currently insufficient to determine the role of this variant in disease. Therefore, it has been classified as a Variant of Uncertain Significance. Advanced modeling of protein sequence and biophysical properties (such as structural, functional, and spatial information, amino acid conservation, physicochemical variation, residue mobility, and thermodynamic stability) performed at Invitae indicates that this missense variant is not expected to disrupt ATP7A protein function. ClinVar contains an entry for this variant (Variation ID: 1986164). This variant has not been reported in the literature in individuals affected with ATP7A-related conditions. This variant is not present in population databases (gnomAD no frequency). This sequence change replaces valine, which is neutral and non-polar, with alanine, which is neutral and non-polar, at codon 1489 of the ATP7A protein (p.Val1489Ala).

NM_000052.7(ATP7A):c.4466T>C (p.Val1489Ala)

Gene: ATP7A (ATPase copper transporting alpha; plus strand). Cytogenetic location: Xq21.1.
Variant type: single nucleotide variant.
Coding change: c.4466T>C on transcript NM_000052.7 (MANE Select); coding-DNA position 4466, T replaced by C.
Protein change: p.Val1489Ala; replaces valine 1489 with alanine.
Molecular consequence: missense variant. On other transcripts: non-coding transcript variant (1).
Genome position (GRCh38, 1-based): chrX:78,046,533, T>C. VCF-style: chrX-78046533-T-C. GRCh37 (hg19) VCF-style: chrX-77302030-T-C.
Other names: c.4232T>C, p.Val1411Ala (NM_001282224.2); short protein forms V1489A, V1411A.
Identifiers: ClinVar variation 1986164 (VCV001986164.4), dbSNP rs2522427956, ClinGen allele CA413606483.
Genomic context (GRCh38, chrX:78,046,533, plus strand): 5'-CTGATAAACGCTCCCTAAACAGTGTTGTTACCAGTGAACCTGACAAGCACTCACTCCTGG[T>C]GGGAGACTTCAGGGAAGATGATGACACTGCATTATAAAAGGCCATGGAGAGTGCTGCCAG-3'
Protein context (NP_000043.4, residues 1479-1499): TSEPDKHSLL[Val1489Ala]GDFREDDDTA